The following is an entry in ClinVar:

ClinVar aggregate classification (germline): Conflicting classifications of pathogenicity. Review status: criteria provided, conflicting classifications (1 of 4 stars). 4 submissions from 4 submitters: Uncertain significance (3); Likely benign (1). Last evaluated 2025-04-26.

Conditions:
Inborn genetic diseases. Identifiers: MedGen C0950123, MeSH D030342.
CODAS syndrome. Also called: CEREBRAL, OCULAR, DENTAL, AURICULAR, AND SKELETAL ANOMALIES SYNDROME. Identifiers: Orphanet 1458, MedGen C1838180, MONDO:0010879, OMIM 600373.

Allele frequency attached by ClinVar (database versions not stated): gnomAD exomes 0.00002 and 0.00005; ExAC 0.00007; gnomAD 0.00013; ESP Exome Variant Server 0.00015; TOPMed 0.00017.
gnomAD v4.1: 65 of 1,612,074 alleles (0.004%); highest among the groups gnomAD compares: African/African-American, 0.06%; no homozygotes.

Submissions (4):

Labcorp Genetics (formerly Invitae), Labcorp
Classification: Likely benign. Last evaluated: 2025-04-26. Review status: criteria provided, single submitter. Criteria: Invitae Variant Classification Sherloc (09022015). Collection method: clinical testing. Allele origin: germline.

Women's Health and Genetics/Laboratory Corporation of America, LabCorp
Classification: Uncertain significance. Last evaluated: 2024-03-20. Review status: criteria provided, single submitter. Criteria: LabCorp Variant Classification Summary - May 2015. Collection method: clinical testing. Allele origin: germline.
Comment: Variant summary: LONP1 c.325A>G (p.Ile109Val) results in a conservative amino acid change in the encoded protein sequence. Four of five in-silico tools predict a benign effect of the variant on protein function. The variant allele was found at a frequency of 5.3e-05 in 245052 control chromosomes. To our knowledge, no occurrence of c.325A>G in individuals affected with CODAS Syndrome and no experimental evidence demonstrating its impact on protein function have been reported. ClinVar contains an entry for this variant (Variation ID: 1333192). Based on the evidence outlined above, the variant was classified as uncertain significance.

Ambry Genetics
Classification: Uncertain significance for Inborn genetic diseases. Last evaluated: 2022-08-03. Review status: criteria provided, single submitter. Criteria: Ambry Variant Classification Scheme 2023. Collection method: clinical testing. Allele origin: germline.

3billion
Classification: Uncertain significance for CODAS syndrome. Last evaluated: 2022-01-03. Review status: criteria provided, single submitter. Criteria: ACMG Guidelines, 2015. Collection method: clinical testing. Allele origin: germline. Affected: yes. Observed: 1 heterozygote.
Comment: It has been reported with an extremely low frequency in the gnomAD v2.1.1 dataset (AF 0.00006874, PM2_M). A missense variant is a common mechanism associated with CODAS syndrome (PP2_P). In silico tool predictions suggest no damaging effect of the variant on gene or gene product (REVEL: 0.035; 3Cnet: 0.002). Therefore, this variant is classified as uncertain significance according to the recommendation of ACMG/AMP guideline.

NM_004793.4(LONP1):c.325A>G (p.Ile109Val)

Genes: LONP1 (lon peptidase 1, mitochondrial; minus strand), LOC130063270 (ATAC-STARR-seq lymphoblastoid silent region 9931; plus strand). Cytogenetic location: 19p13.3.
Variant type: single nucleotide variant.
Coding change: c.325A>G on transcript NM_004793.4 (MANE Select); coding-DNA position 325, A replaced by G.
Protein change: p.Ile109Val; replaces isoleucine 109 with valine.
Molecular consequence: missense variant. On other transcripts: non-coding transcript variant (1), intron variant (1).
Genome position (GRCh38, 1-based): chr19:5,719,808, T>C on the plus strand (A>G on the coding strand, the complement: LONP1 is on the minus strand). VCF-style: chr19-5719808-T-C. GRCh37 (hg19) VCF-style: chr19-5719819-T-C.
Other names: c.325A>G (NM_004793.2); c.133A>G, p.Ile45Val (NM_001276479.2); c.-160+411A>G (NM_001276480.1); short protein forms I109V, I45V.
Identifiers: ClinVar variation 1333192 (VCV001333192.10), dbSNP rs141593936, ClinGen allele CA9115175.